The following is an entry in ClinVar:

ClinVar aggregate classification (germline): Uncertain significance (1 of 4 stars; one submission).

Conditions:
Emery-Dreifuss muscular dystrophy 5, autosomal dominant (EDMD5). Also called: EMERY-DREIFUSS MUSCULAR DYSTROPHY 5. Identifiers: Orphanet 261, MedGen C2751805, MONDO:0013072, OMIM 612999.

Allele frequency attached by ClinVar (database versions not stated): 1000 Genomes Project 30x 0.00016; 1000 Genomes Project 0.00020.
gnomAD v4.1: 30 of 1,614,064 alleles (0.0019%); highest among the groups gnomAD compares: East Asian, 0.011%; no homozygotes.

Submission:

Labcorp Genetics (formerly Invitae), Labcorp
Classification: Uncertain significance for Emery-Dreifuss muscular dystrophy 5, autosomal dominant. Last evaluated: 2021-01-05. Review status: criteria provided, single submitter. Criteria: Invitae Variant Classification Sherloc (09022015). Collection method: clinical testing. Allele origin: germline.
Comment: In summary, the available evidence is currently insufficient to determine the role of this variant in disease. Therefore, it has been classified as a Variant of Uncertain Significance. Algorithms developed to predict the effect of missense changes on protein structure and function output the following: SIFT: "Tolerated"; PolyPhen-2: "Benign"; Align-GVGD: "Class C0". The methionine amino acid residue is found in multiple mammalian species, suggesting that this missense change does not adversely affect protein function. These predictions have not been confirmed by published functional studies and their clinical significance is uncertain. This variant has not been reported in the literature in individuals with SYNE2-related conditions. This variant is present in population databases (rs202235545, ExAC 0.02%). This sequence change replaces valine with methionine at codon 6817 of the SYNE2 protein (p.Val6817Met). The valine residue is weakly conserved and there is a small physicochemical difference between valine and methionine.

NM_182914.3(SYNE2):c.20449G>A (p.Val6817Met)

Gene: SYNE2 (spectrin repeat containing nuclear envelope protein 2; plus strand). Cytogenetic location: 14q23.2.
Variant type: single nucleotide variant.
Coding change: c.20449G>A on transcript NM_182914.3 (MANE Select); coding-DNA position 20449, G replaced by A.
Protein change: p.Val6817Met; replaces valine 6817 with methionine.
Molecular consequence: missense variant.
Genome position (GRCh38, 1-based): chr14:64,224,527, G>A. VCF-style: chr14-64224527-G-A. GRCh37 (hg19) VCF-style: chr14-64691245-G-A.
Other names: c.20380G>A, p.Val6794Met (NM_015180.6); c.1015G>A, p.Val339Met (NM_182910.2); c.1393G>A, p.Val465Met (NM_182913.4); short protein forms V6794M, V6817M, V339M, V465M.
Identifiers: ClinVar variation 1474425 (VCV001474425.8), dbSNP rs202235545, ClinGen allele CA7224866.